The following is an entry in ClinVar:

NM_000256.3(MYBPC3):c.1531C>A (p.His511Asn)

Gene: MYBPC3 (myosin binding protein C3; minus strand). Cytogenetic location: 11p11.2.
Variant type: single nucleotide variant.
Coding change: c.1531C>A on transcript NM_000256.3 (MANE Select); coding-DNA position 1531, C replaced by A.
Protein change: p.His511Asn; replaces histidine 511 with asparagine.
Molecular consequence: missense variant.
Genome position (GRCh38, 1-based): chr11:47,342,671, G>T on the plus strand (C>A on the coding strand, the complement: MYBPC3 is on the minus strand). VCF-style: chr11-47342671-G-T. GRCh37 (hg19) VCF-style: chr11-47364222-G-T.
Other names: short protein forms H511N.
Identifiers: ClinVar variation 927623 (VCV000927623.5), dbSNP rs2095889971, ClinGen allele CA380325163.
Genomic context (GRCh38, chr11:47,342,671, plus strand): 5'-CGCTAGTGCACAGTGCATAGTGCCCCGCGTCCTCCAGCATGGCCTCGTTGATGATCAGGT[G>T]GTGTCTCTGCCCGTCCTTCTTGAACCGGTATTTGAAGGTCTCCTCCCGGGTCAGCTCCAC-3'
Protein context (NP_000247.2, residues 501-521): YRFKKDGQRH[His511Asn]LIINEAMLED

ClinVar aggregate classification (germline): Uncertain significance (1 of 4 stars; one submission).

Conditions:
Cardiomyopathy (CMYO). Also called: Cardiomyopathies. Identifiers: Orphanet 167848, MedGen C0878544, MONDO:0004994, HP:0001638. Inheritance: Various modes of inheritance.

Allele frequency attached by ClinVar (database versions not stated): gnomAD exomes below 0.00001.
gnomAD v4.1: 1 of 1,614,030 alleles (0.000062%); highest among the groups gnomAD compares: Non-Finnish European, 0.000085%; no homozygotes.

Submission:

Color Diagnostics, LLC DBA Color Health
Classification: Uncertain significance for Cardiomyopathy. Last evaluated: 2023-12-05. Review status: criteria provided, single submitter. Criteria: ACMG Guidelines, 2015. Collection method: clinical testing. Allele origin: germline.
Comment: This missense variant replaces histidine with asparagine at codon 511 of the MYBPC3 protein. Computational prediction tools and conservation analyses are inconclusive regarding the impact of this variant on the protein function. Computational splicing tools suggest that this variant may not impact RNA splicing. To our knowledge, functional assays have not been performed for this variant nor has this variant been reported in individuals affected with cardiovascular disorders in the literature. This variant has not been identified in the general population by the Genome Aggregation Database (gnomAD). Available evidence is insufficient to determine the role of this variant in disease conclusively. Therefore, this variant is classified as a Variant of Uncertain Significance.